The following is an entry in ClinVar:

ClinVar aggregate classification (germline): Likely benign. Review status: criteria provided, single submitter (1 of 4 stars). 2 submissions from 2 submitters: Likely benign (1). 1 of the submissions does not count toward it. Last evaluated 2023-08-17.

Conditions:
PCNT-related disorder. Also called: PCNT-related condition.

Allele frequency attached by ClinVar (database versions not stated): gnomAD exomes below 0.00001; TOPMed below 0.00001; ExAC 0.00001.
gnomAD v4.1: 7 of 1,611,570 alleles (0.00043%); highest among the groups gnomAD compares: Non-Finnish European, 0.00051%; no homozygotes.

Submissions (2):

Labcorp Genetics (formerly Invitae), Labcorp
Classification: Likely benign. Last evaluated: 2023-08-17. Review status: criteria provided, single submitter. Criteria: Invitae Variant Classification Sherloc (09022015). Collection method: clinical testing. Allele origin: germline.

PreventionGenetics, part of Exact Sciences
Classification: Likely benign for PCNT-related condition. Last evaluated: 2022-02-04. Review status: no assertion criteria provided. Collection method: clinical testing. Allele origin: germline. Not counted in ClinVar's aggregate classification.
Comment: This variant is classified as likely benign based on ACMG/AMP sequence variant interpretation guidelines (Richards et al. 2015 PMID: 25741868, with internal and published modifications).

NM_006031.6(PCNT):c.9839+8T>C

Gene: PCNT (pericentrin; plus strand). Cytogenetic location: 21q22.3.
Variant type: single nucleotide variant.
Coding change: c.9839+8T>C on transcript NM_006031.6 (MANE Select); 8 bases into the intron after coding-DNA position 9839, T replaced by C.
Molecular consequence: intron variant.
Genome position (GRCh38, 1-based): chr21:46,443,956, T>C. VCF-style: chr21-46443956-T-C. GRCh37 (hg19) VCF-style: chr21-47863869-T-C.
Other names: c.9839+8T>C (NM_006031.5); c.9248+8T>C (NM_001315529.2).
Identifiers: ClinVar variation 2811737 (VCV002811737.4), dbSNP rs781143576, ClinGen allele CA10081490.